The following is an entry in ClinVar:

NM_005982.4(SIX1):c.184A>C (p.Asn62His)

Gene: SIX1 (SIX homeobox 1; minus strand). Cytogenetic location: 14q23.1.
Variant type: single nucleotide variant.
Coding change: c.184A>C on transcript NM_005982.4 (MANE Select); coding-DNA position 184, A replaced by C.
Protein change: p.Asn62His; replaces asparagine 62 with histidine.
Molecular consequence: missense variant.
Genome position (GRCh38, 1-based): chr14:60,649,006, T>G on the plus strand (A>C on the coding strand, the complement: SIX1 is on the minus strand). VCF-style: chr14-60649006-T-G. GRCh37 (hg19) VCF-style: chr14-61115724-T-G.
Other names: c.184A>C, p.Asn62His (NM_001425142.1); short protein forms N62H.
Identifiers: ClinVar variation 2947169 (VCV002947169.3), dbSNP rs2502644593, ClinGen allele CA389910864.
Genomic context (GRCh38, chr14:60,649,006, plus strand): 5'-TGGGGTGGTTGTGAGGCGAGAACTGGTGGCTCTCCAGGATCTTGTAGAGCTCACGGAAGT[T>G]GCCGCGGTGGAAGGCGACCACCGCCTTGGCCTTGAGTACGCTCTCGTTCTTGTGCAGGTG-3'
Protein context (NP_005973.1, residues 52-72): AKAVVAFHRG[Asn62His]FRELYKILES

ClinVar aggregate classification (germline): Uncertain significance (1 of 4 stars; one submission).

Conditions:
Branchiootic syndrome 3 (BOS3). Also called: BO SYNDROME 3. Identifiers: MedGen C1842124, MONDO:0012025, OMIM 608389.
Autosomal dominant nonsyndromic hearing loss 23. Identifiers: Orphanet 90635, MedGen C1854594, MONDO:0011519, OMIM 605192.

Allele frequency attached by ClinVar (database versions not stated): gnomAD exomes below 0.00001.
gnomAD v4.1: 1 of 1,614,144 alleles (0.000062%); highest among the groups gnomAD compares: Non-Finnish European, 0.000085%; no homozygotes.

Submission:

Labcorp Genetics (formerly Invitae), Labcorp
Classification: Uncertain significance for Autosomal dominant nonsyndromic hearing loss 23; Branchiootic syndrome 3. Last evaluated: 2023-07-03. Review status: criteria provided, single submitter. Criteria: Invitae Variant Classification Sherloc (09022015). Collection method: clinical testing. Allele origin: germline.
Comment: This sequence change replaces asparagine, which is neutral and polar, with histidine, which is basic and polar, at codon 62 of the SIX1 protein (p.Asn62His). This variant is not present in population databases (gnomAD no frequency). This variant has not been reported in the literature in individuals affected with SIX1-related conditions. Advanced modeling of protein sequence and biophysical properties (such as structural, functional, and spatial information, amino acid conservation, physicochemical variation, residue mobility, and thermodynamic stability) performed at Invitae indicates that this missense variant is not expected to disrupt SIX1 protein function. In summary, the available evidence is currently insufficient to determine the role of this variant in disease. Therefore, it has been classified as a Variant of Uncertain Significance.